The following is an entry in ClinVar:

NM_006015.6(ARID1A):c.87G>C (p.Gln29His)

Gene: ARID1A (AT-rich interaction domain 1A; plus strand). Cytogenetic location: 1p36.11.
Variant type: single nucleotide variant.
Coding change: c.87G>C on transcript NM_006015.6 (MANE Select); coding-DNA position 87, G replaced by C.
Protein change: p.Gln29His; replaces glutamine 29 with histidine.
Molecular consequence: missense variant.
Genome position (GRCh38, 1-based): chr1:26,696,490, G>C. VCF-style: chr1-26696490-G-C. GRCh37 (hg19) VCF-style: chr1-27022981-G-C.
Other names: c.87G>C, p.Gln29His (NM_139135.4); short protein forms Q29H.
Identifiers: ClinVar variation 4764208 (VCV004764208.1).

ClinVar aggregate classification (germline): Uncertain significance (1 of 4 stars; one submission).

Submission:

Labcorp Genetics (formerly Invitae), Labcorp
Classification: Uncertain significance. Last evaluated: 2025-09-27. Review status: criteria provided, single submitter. Criteria: Invitae Variant Classification Sherloc (09022015). Collection method: clinical testing. Allele origin: germline.
Comment: This sequence change replaces glutamine, which is neutral and polar, with histidine, which is basic and polar, at codon 29 of the ARID1A protein (p.Gln29His). This variant is not present in population databases (gnomAD no frequency). This variant has not been reported in the literature in individuals affected with ARID1A-related conditions. Invitae Evidence Modeling of protein sequence and biophysical properties (such as structural, functional, and spatial information, amino acid conservation, physicochemical variation, residue mobility, and thermodynamic stability) indicates that this missense variant is not expected to disrupt ARID1A protein function with a negative predictive value of 95%. In summary, the available evidence is currently insufficient to determine the role of this variant in disease. Therefore, it has been classified as a Variant of Uncertain Significance.